The following is an entry in ClinVar:

ClinVar aggregate classification (germline): Uncertain significance (1 of 4 stars; one submission).

Allele frequency attached by ClinVar (database versions not stated): TOPMed below 0.00001.

Submission:

Labcorp Genetics (formerly Invitae), Labcorp
Classification: Uncertain significance. Last evaluated: 2022-05-05. Review status: criteria provided, single submitter. Criteria: Invitae Variant Classification Sherloc (09022015). Collection method: clinical testing. Allele origin: germline.
Comment: Variants that disrupt the consensus splice site are a relatively common cause of aberrant splicing (PMID: 17576681, 9536098). Algorithms developed to predict the effect of sequence changes on RNA splicing suggest that this variant is not likely to affect RNA splicing. In summary, the available evidence is currently insufficient to determine the role of this variant in disease. Therefore, it has been classified as a Variant of Uncertain Significance. This variant has not been reported in the literature in individuals affected with CEP250-related conditions. This variant is not present in population databases (gnomAD no frequency). This sequence change falls in intron 25 of the CEP250 gene. It does not directly change the encoded amino acid sequence of the CEP250 protein. It affects a nucleotide within the consensus splice site.

Literature cited by the submitters: PubMed 17576681; PubMed 9536098.

NM_007186.6(CEP250):c.3306+5T>C

Gene: CEP250 (centrosomal protein 250; plus strand). Cytogenetic location: 20q11.22.
Variant type: single nucleotide variant.
Coding change: c.3306+5T>C on transcript NM_007186.6 (MANE Select); 5 bases into the intron after coding-DNA position 3306, T replaced by C.
Molecular consequence: intron variant.
Genome position (GRCh38, 1-based): chr20:35,496,720, T>C. VCF-style: chr20-35496720-T-C. GRCh37 (hg19) VCF-style: chr20-34084549-T-C.
Other names: c.1410+5T>C (NM_001318219.1).
Identifiers: ClinVar variation 2134381 (VCV002134381.4), dbSNP rs2063845827, ClinGen allele CA2361676607.